The following is an entry in ClinVar:

ClinVar aggregate classification (germline): Uncertain significance. Review status: criteria provided, multiple submitters, no conflicts (2 of 4 stars). 2 submissions from 2 submitters: Uncertain significance (2). Last evaluated 2023-09-23.

Conditions:
Hereditary cancer-predisposing syndrome. Also called: Neoplastic Syndromes, Hereditary; Hereditary Cancer Syndrome; Hereditary neoplastic syndrome; Tumor predisposition. Identifiers: Orphanet 140162, MedGen C0027672, MeSH D009386, MONDO:0015356.
Gastrointestinal stromal tumor. Also called: Gastrointestinal stromal tumor, somatic; Gastrointestinal stroma tumor. Identifiers: Orphanet 44890, MedGen C0238198, MeSH D046152, MONDO:0011719, OMIM 606764, HP:0100723.

Submissions (2):

Ambry Genetics
Classification: Uncertain significance for Hereditary cancer-predisposing syndrome. Last evaluated: 2023-09-23. Review status: criteria provided, single submitter. Criteria: Ambry Variant Classification Scheme 2023. Collection method: clinical testing. Allele origin: germline.
Comment: The p.L970Q variant (also known as c.2909T>A), located in coding exon 21 of the PDGFRA gene, results from a T to A substitution at nucleotide position 2909. The leucine at codon 970 is replaced by glutamine, an amino acid with dissimilar properties. This amino acid position is conserved. In addition, this alteration is predicted to be deleterious by in silico analysis. Since supporting evidence is limited at this time, the clinical significance of this alteration remains unclear.

Labcorp Genetics (formerly Invitae), Labcorp
Classification: Uncertain significance for Gastrointestinal stromal tumor. Last evaluated: 2020-02-08. Review status: criteria provided, single submitter. Criteria: Invitae Variant Classification Sherloc (09022015). Collection method: clinical testing. Allele origin: germline.
Comment: Algorithms developed to predict the effect of missense changes on protein structure and function are either unavailable or do not agree on the potential impact of this missense change (SIFT: "Deleterious"; PolyPhen-2: "Probably Damaging"; Align-GVGD: "Class C0"). Algorithms developed to predict the effect of sequence changes on RNA splicing suggest that this variant may create or strengthen a splice site, but this prediction has not been confirmed by published transcriptional studies. In summary, the available evidence is currently insufficient to determine the role of this variant in disease. Therefore, it has been classified as a Variant of Uncertain Significance. This sequence change replaces leucine with glutamine at codon 970 of the PDGFRA protein (p.Leu970Gln). The leucine residue is highly conserved and there is a moderate physicochemical difference between leucine and glutamine. This variant is not present in population databases (ExAC no frequency). This variant has not been reported in the literature in individuals with PDGFRA-related conditions.

NM_006206.6(PDGFRA):c.2909T>A (p.Leu970Gln)

Gene: PDGFRA (platelet derived growth factor receptor alpha; plus strand). Cytogenetic location: 4q12.
Variant type: single nucleotide variant.
Coding change: c.2909T>A on transcript NM_006206.6 (MANE Select); coding-DNA position 2909, T replaced by A.
Protein change: p.Leu970Gln; replaces leucine 970 with glutamine.
Molecular consequence: missense variant.
Genome position (GRCh38, 1-based): chr4:54,290,341, T>A. VCF-style: chr4-54290341-T-A. GRCh37 (hg19) VCF-style: chr4-55156508-T-A.
Other names: c.2909T>A (NM_006206.4); c.2984T>A, p.Leu995Gln (NM_001347828.2); c.2909T>A, p.Leu970Gln (NM_001347829.2); c.2948T>A, p.Leu983Gln (NM_001347830.2); short protein forms L970Q, L983Q, L995Q.
Identifiers: ClinVar variation 1018819 (VCV001018819.17), dbSNP rs1553906621, ClinGen allele CA356895968.